The following is an entry in ClinVar:

ClinVar aggregate classification (germline): Uncertain significance (1 of 4 stars; one submission).

Conditions:
Very long chain acyl-CoA dehydrogenase deficiency (ACADVLD). Also called: VLCAD Deficiency; Very Long-Chain Acyl-Coenzyme A Dehydrogenase Deficiency. Identifiers: Orphanet 26793, MedGen C3887523, MONDO:0008723, OMIM 201475.

gnomAD v4.1: 1 of 1,613,946 alleles (0.000062%); highest among the groups gnomAD compares: African/African-American, 0.0013%; no homozygotes.

Submission:

Labcorp Genetics (formerly Invitae), Labcorp
Classification: Uncertain significance for Very long chain acyl-CoA dehydrogenase deficiency. Last evaluated: 2024-12-18. Review status: criteria provided, single submitter. Criteria: Invitae Variant Classification Sherloc (09022015). Collection method: clinical testing. Allele origin: germline.
Comment: This sequence change replaces methionine, which is neutral and non-polar, with threonine, which is neutral and polar, at codon 478 of the ACADVL protein (p.Met478Thr). This variant is not present in population databases (gnomAD no frequency). This variant has not been reported in the literature in individuals affected with ACADVL-related conditions. An algorithm developed to predict the effect of missense changes on protein structure and function (PolyPhen-2) suggests that this variant is likely to be tolerated. In summary, the available evidence is currently insufficient to determine the role of this variant in disease. Therefore, it has been classified as a Variant of Uncertain Significance.

NM_000018.4(ACADVL):c.1433T>C (p.Met478Thr)

Gene: ACADVL (acyl-CoA dehydrogenase very long chain; plus strand). Cytogenetic location: 17p13.1.
Variant type: single nucleotide variant.
Coding change: c.1433T>C on transcript NM_000018.4 (MANE Select); coding-DNA position 1433, T replaced by C.
Protein change: p.Met478Thr; replaces methionine 478 with threonine.
Molecular consequence: missense variant.
Genome position (GRCh38, 1-based): chr17:7,224,068, T>C. VCF-style: chr17-7224068-T-C. GRCh37 (hg19) VCF-style: chr17-7127387-T-C.
Other names: c.1367T>C, p.Met456Thr (NM_001033859.3); c.1502T>C, p.Met501Thr (NM_001270447.2); c.1205T>C, p.Met402Thr (NM_001270448.2); short protein forms M402T, M456T, M478T, M501T.
Identifiers: ClinVar variation 3674171 (VCV003674171.2).